The following is an entry in ClinVar:

NM_001374736.1(DST):c.882A>C (p.Arg294Ser)

Gene: DST (dystonin; minus strand). Cytogenetic location: 6p12.1.
Variant type: single nucleotide variant.
Coding change: c.882A>C on transcript NM_001374736.1 (MANE Select); coding-DNA position 882, A replaced by C.
Protein change: p.Arg294Ser; replaces arginine 294 with serine.
Molecular consequence: missense variant.
Genome position (GRCh38, 1-based): chr6:56,701,960, T>G on the plus strand (A>C on the coding strand, the complement: DST is on the minus strand). VCF-style: chr6-56701960-T-G. GRCh37 (hg19) VCF-style: chr6-56566758-T-G.
Other names: c.783A>C, p.Arg261Ser (NM_001144769.5); c.369A>C, p.Arg123Ser (NM_001144770.2); c.882A>C, p.Arg294Ser (NM_001374722.1); c.249A>C, p.Arg83Ser (NM_001374729.1, NM_001374730.1, NM_001386100.1 and 1 more transcripts); c.909A>C, p.Arg303Ser (NM_001374734.1); short protein forms R303S, R123S, R261S, R294S, R83S.
Identifiers: ClinVar variation 1760831 (VCV001760831.2), dbSNP rs754357886, ClinGen allele CA3871835.

ClinVar aggregate classification (germline): Uncertain significance (1 of 4 stars; one submission).

Conditions:
Inborn genetic diseases. Identifiers: MedGen C0950123, MeSH D030342.

Allele frequency attached by ClinVar (database versions not stated): gnomAD exomes below 0.00001; ExAC 0.00001; TOPMed 0.00002.
gnomAD v4.1: 5 of 1,608,882 alleles (0.00031%); highest among the groups gnomAD compares: Non-Finnish European, 0.00043%; no homozygotes.

Submission:

Ambry Genetics
Classification: Uncertain significance for Inborn genetic diseases. Last evaluated: 2022-09-22. Review status: criteria provided, single submitter. Criteria: Ambry Variant Classification Scheme 2023. Collection method: clinical testing. Allele origin: germline.
Comment: The p.R261S variant (also known as c.783A>C), located in coding exon 7 of the DST gene, results from an A to C substitution at nucleotide position 783. The arginine at codon 261 is replaced by serine, an amino acid with dissimilar properties. This amino acid position is highly conserved in available vertebrate species. In addition, this alteration is predicted to be deleterious by in silico analysis. Since supporting evidence is limited at this time, the clinical significance of this alteration remains unclear.